The following is an entry in ClinVar:

NM_000045.4(ARG1):c.23T>A (p.Ile8Lys)

Gene: ARG1 (arginase 1; plus strand). Cytogenetic location: 6q23.2.
Variant type: single nucleotide variant.
Coding change: c.23T>A on transcript NM_000045.4 (MANE Select); coding-DNA position 23, T replaced by A.
Protein change: p.Ile8Lys; replaces isoleucine 8 with lysine.
Molecular consequence: missense variant. On other transcripts: non-coding transcript variant (1).
Genome position (GRCh38, 1-based): chr6:131,573,305, T>A. VCF-style: chr6-131573305-T-A. GRCh37 (hg19) VCF-style: chr6-131894445-T-A.
Other names: c.23T>A, p.Ile8Lys (NM_001244438.2, NM_001369020.1); c.23T>A (NM_000045.2); short protein forms I8K.
Identifiers: ClinVar variation 1044951 (VCV001044951.14), dbSNP rs149310631, ClinGen allele CA3999117.

ClinVar aggregate classification (germline): Pathogenic/Likely pathogenic. Review status: criteria provided, multiple submitters, no conflicts (2 of 4 stars). 7 submissions from 7 submitters: Pathogenic (2); Likely pathogenic (4). 1 of the submissions does not count toward it. Last evaluated 2026-03-25.

Conditions:
Arginase deficiency. Also called: ARGININEMIA; ARG1 DEFICIENCY; Arginase 1 Deficiency. Identifiers: Orphanet 90, MedGen C0268548, MONDO:0008814, OMIM 207800.

Allele frequency attached by ClinVar (database versions not stated): TOPMed 0.00001; ESP Exome Variant Server 0.00008.
gnomAD v4.1: 3 of 1,613,800 alleles (0.00019%); highest among the groups gnomAD compares: African/African-American, 0.004%; no homozygotes.

Submissions (7):

Dasa
Classification: Likely pathogenic. Last evaluated: 2026-03-25. Review status: criteria provided, single submitter. Criteria: DASA Assertion Criteria. Collection method: clinical testing. Allele origin: germline.
Comment: NM_000045.4(ARG1):c.23T>A (p.Ile8Lys) is a missense variant that results in the substitution of isoleucine with lysine. The affected residue or protein region has prior evidence supporting clinical relevance. This variant has been recurrently observed in individuals with ARG1-related disorders (PMID: 33267903; PMID: 29726057; PMID: 24814679). Also, this variant is rare in population databases. Based on the currently available evidence, this variant is classified as likely pathogenic.

3billion
Classification: Likely pathogenic for Arginase deficiency. Last evaluated: 2026-01-14. Review status: criteria provided, single submitter. Criteria: ACMG Guidelines, 2015. Collection method: clinical testing. Allele origin: germline. Affected: yes.
Comment: The variant is observed at an extremely low frequency in the gnomAD v4.1.0 dataset (total allele frequency: <0.001%). Predicted Consequence/Location: Missense variant Damaging effect on gene or gene product predicted by in silico programs is uncertain [REVEL: 0.59 (damaging >=0.6, benign <0.4), 3Cnet: 0.08 (damaging >0.75, benign <0.1)]. The same nucleotide change resulting in the same amino acid change has been previously reported as pathogenic/likely pathogenic with strong evidence (ClinVar ID: VCV001044951 /PMID: 24814679). Therefore, this variant is classified as Likely pathogenic according to the recommendation of ACMG/AMP guideline.

Women's Health and Genetics/Laboratory Corporation of America, LabCorp
Classification: Likely pathogenic for Arginase deficiency. Last evaluated: 2025-06-19. Review status: criteria provided, single submitter. Criteria: LabCorp Variant Classification Summary - May 2015. Collection method: clinical testing. Allele origin: germline.
Comment: Variant summary: ARG1 c.23T>A (p.Ile8Lys) results in a non-conservative amino acid change in the encoded protein sequence. Algorithms developed to predict the effect of missense changes on protein structure and function are either unavailable or do not agree on the potential impact of this missense change. The variant allele was found at a frequency of 4e-06 in 250988 control chromosomes. c.23T>A has been observed in individual(s) affected with Arginase Deficiency (e.g. Amayreh_2014, Diez-Fernandez_2018, Sharma_2024). These data indicate that the variant is likely to be associated with disease. To our knowledge, no experimental evidence demonstrating an impact on protein function has been reported. The following publications have been ascertained in the context of this evaluation (PMID: 24814679, 29726057, 39512428). ClinVar contains an entry for this variant (Variation ID: 1044951). Based on the evidence outlined above, the variant was classified as likely pathogenic.

Fulgent Genetics
Classification: Likely pathogenic for Arginase deficiency. Last evaluated: 2024-05-15. Review status: criteria provided, single submitter. Criteria: ACMG Guidelines, 2015. Collection method: clinical testing. Allele origin: germline.

Labcorp Genetics (formerly Invitae), Labcorp
Classification: Pathogenic for Arginase deficiency. Last evaluated: 2024-03-11. Review status: criteria provided, single submitter. Criteria: Invitae Variant Classification Sherloc (09022015). Collection method: clinical testing. Allele origin: germline.
Comment: This sequence change replaces isoleucine, which is neutral and non-polar, with lysine, which is basic and polar, at codon 8 of the ARG1 protein (p.Ile8Lys). This variant is present in population databases (rs149310631, gnomAD 0.008%). This missense change has been observed in individual(s) with arginase deficiency (PMID: 24814679; external communication). ClinVar contains an entry for this variant (Variation ID: 1044951). Advanced modeling of protein sequence and biophysical properties (such as structural, functional, and spatial information, amino acid conservation, physicochemical variation, residue mobility, and thermodynamic stability) performed at Invitae indicates that this missense variant is expected to disrupt ARG1 protein function with a positive predictive value of 80%. For these reasons, this variant has been classified as Pathogenic.

Baylor Genetics
Classification: Pathogenic for Arginase deficiency. Last evaluated: 2023-08-09. Review status: criteria provided, single submitter. Criteria: ACMG Guidelines, 2015. Collection method: clinical testing. Allele origin: unknown.

GeneDx
Classification: Uncertain significance. Last evaluated: 2023-08-14. Review status: flagged submission. Criteria: GeneDx Variant Classification Process June 2021. Collection method: clinical testing. Allele origin: germline. Affected: yes. Not counted in ClinVar's aggregate classification.
Comment: Not observed at significant frequency in large population cohorts (gnomAD); In silico analysis supports that this missense variant has a deleterious effect on protein structure/function; This variant is associated with the following publications: (PMID: 24814679)
ClinVar note: Reason: Older claim that does not account for recent evidence

Literature cited by the submitters: PubMed 33267903 (cited by Dasa); PubMed 29726057 (cited by Dasa and Women's Health and Genetics/Laboratory Corporation of America, LabCorp); PubMed 24814679 (cited by 4 submitters); PubMed 39512428 (cited by Women's Health and Genetics/Laboratory Corporation of America, LabCorp).